The following is an entry in ClinVar:

NM_001875.5(CPS1):c.296C>T (p.Pro99Leu)

Gene: CPS1 (carbamoyl-phosphate synthase 1; plus strand). Cytogenetic location: 2q34.
Variant type: single nucleotide variant.
Coding change: c.296C>T on transcript NM_001875.5 (MANE Select); coding-DNA position 296, C replaced by T.
Protein change: p.Pro99Leu; replaces proline 99 with leucine.
Molecular consequence: missense variant. On other transcripts: non-coding transcript variant (1).
Genome position (GRCh38, 1-based): chr2:210,576,405, C>T. VCF-style: chr2-210576405-C-T. GRCh37 (hg19) VCF-style: chr2-211441129-C-T.
Other names: c.296C>T, p.Pro99Leu (NM_001122633.3, NM_001369257.1); c.329C>T, p.Pro110Leu (NM_001369256.1); short protein forms P110L, P99L.
Identifiers: ClinVar variation 3237531 (VCV003237531.4), dbSNP rs1245845692.

ClinVar aggregate classification (germline): Conflicting classifications of pathogenicity. Review status: criteria provided, conflicting classifications (1 of 4 stars). 3 submissions from 2 submitters: Likely pathogenic (2); Uncertain significance (1). Last evaluated 2025-04-04.

Conditions:
Pulmonary hypertension, neonatal, susceptibility to (PHN). Identifiers: MedGen C3714958, MONDO:0014151, OMIM 615371.
Congenital hyperammonemia, type I. Also called: CPS I DEFICIENCY; Carbamoyl phosphate synthetase 1 deficiency; Hyperammonemia due to carbamoyl phosphate synthetase 1 deficiency; CPS 1 deficiency; Carbamyl phosphate synthetase (CPS) deficiency; Carbamoyl phosphate synthetase I deficiency disease. Identifiers: Orphanet 147, MedGen C4082171, MONDO:0009376, OMIM 237300.

gnomAD v4.1: 4 of 1,613,740 alleles (0.00025%); highest among the groups gnomAD compares: Non-Finnish European, 0.00034%; no homozygotes.

Submissions (3):

Women's Health and Genetics/Laboratory Corporation of America, LabCorp
Classification: Uncertain significance. Last evaluated: 2025-04-04. Review status: criteria provided, single submitter. Criteria: LabCorp Variant Classification Summary - May 2015. Collection method: clinical testing. Allele origin: germline.
Comment: Variant summary: CPS1 c.296C>T (p.Pro99Leu) results in a non-conservative amino acid change in the encoded protein sequence. Five of five in-silico tools predict a damaging effect of the variant on protein function. The variant allele was found at a frequency of 4e-06 in 251260 control chromosomes. The available data on variant occurrences in the general population are insufficient to allow any conclusion about variant significance. c.296C>T has been reported in the literature in a compound heterozygous individual affected with Carbamoylphosphate Synthetase I Deficiency (Kretz_2012). These data do not allow any conclusion about variant significance. To our knowledge, no experimental evidence demonstrating an impact on protein function has been reported. The following publications have been ascertained in the context of this evaluation (PMID: 22575620, 33309754). ClinVar contains an entry for this variant (Variation ID: 3237531). Based on the evidence outlined above, the variant was classified as uncertain significance.

Baylor Genetics
Classification: Likely pathogenic for Pulmonary hypertension, neonatal, susceptibility to. Last evaluated: 2024-03-20. Review status: criteria provided, single submitter. Criteria: ACMG Guidelines, 2015. Collection method: clinical testing. Allele origin: unknown.

Baylor Genetics
Classification: Likely pathogenic for Congenital hyperammonemia, type I. Last evaluated: 2024-03-06. Review status: criteria provided, single submitter. Criteria: ACMG Guidelines, 2015. Collection method: clinical testing. Allele origin: unknown.

Literature cited by the submitters: PubMed 33309754 (cited by Women's Health and Genetics/Laboratory Corporation of America, LabCorp); PubMed 22575620 (cited by Women's Health and Genetics/Laboratory Corporation of America, LabCorp).